The following is an entry in ClinVar:

NM_005609.4(PYGM):c.158dup (p.Tyr53Ter)

Gene: PYGM (glycogen phosphorylase, muscle associated; minus strand). Cytogenetic location: 11q13.1.
Variant type: Duplication.
Coding change: c.158dup on transcript NM_005609.4 (MANE Select); coding-DNA position 158, one base duplicated (A; older notation c.158dupA).
Protein change: p.Tyr53Ter; replaces tyrosine 53 with a stop codon.
Molecular consequence: nonsense.
Genome position (GRCh38, 1-based): chr11:64,759,741, T duplicated on the plus strand (A on the coding strand, the reverse complement: PYGM is on the minus strand). VCF-style (leftmost placement, unchanged base first): chr11-64759740-G-GT. GRCh37 (hg19) VCF-style: chr11-64527212-G-GT.
Other names: c.158dup, p.Tyr53Ter (NM_001164716.1); short protein forms Y53*.
Identifiers: ClinVar variation 5004630 (VCV005004630.1).
Genomic context (GRCh38, chr11:64,759,740, plus strand): 5'-CTGCTGCGTGCGGATCCAGCGCCCCACGAGGTGGTCGCGCACGGTATGGGCCAGAGCAAA[G>GT]TAGTAGTCTCGTGGGGTGGCCACATTGCGGTCCTTTACGAGTGTGAAATGCAGGTGCCGG-3'

ClinVar aggregate classification (germline): Pathogenic (1 of 4 stars; one submission).

Conditions:
Glycogen storage disease, type V (GSD5). Also called: McArdle type glycogen storage disease; MCARDLE DISEASE; MUSCLE GLYCOGEN PHOSPHORYLASE DEFICIENCY; MYOPHOSPHORYLASE DEFICIENCY; PYGM DEFICIENCY. Identifiers: Orphanet 368, MedGen C0017924, MONDO:0009293, OMIM 232600.

Submission:

Myriad Genetics, Inc.
Classification: Pathogenic for Glycogen storage disease, type V. Last evaluated: 2026-04-27. Review status: criteria provided, single submitter. Criteria: Myriad Autosomal Dominant, Autosomal Recessive and X-Linked Classification Criteria (2023). Collection method: clinical testing. Allele origin: unknown.
Comment: NM_005609.2(PYGM):c.158dupA(Y53*) is a nonsense variant classified as pathogenic in the context of glycogen storage disease, PYGM-related. Y53* has not been observed in cases with relevant disease. Relevant functional assessments of this variant are not available in the literature. Y53* has not been observed in referenced population frequency databases. In summary, NM_005609.2(PYGM):c.158dupA(Y53*) is a nonsense variant in a gene where loss of function is a known mechanism of disease and is predicted to disrupt protein function. Please note: this variant was assessed in the context of healthy population screening.